The following is an entry in ClinVar:

ClinVar aggregate classification (germline): Uncertain significance (1 of 4 stars; one submission).

Conditions:
Kabuki syndrome. Also called: Kabuki make-up syndrome; NIIKAWA-KUROKI SYNDROME. Identifiers: Orphanet 2322, MedGen C0796004, MONDO:0016512.

gnomAD v4.1: 1 of 1,612,054 alleles (0.000062%); highest among the groups gnomAD compares: Non-Finnish European, 0.000085%; no homozygotes.

Submission:

Labcorp Genetics (formerly Invitae), Labcorp
Classification: Uncertain significance for Kabuki syndrome. Last evaluated: 2022-05-29. Review status: criteria provided, single submitter. Criteria: Invitae Variant Classification Sherloc (09022015). Collection method: clinical testing. Allele origin: germline.
Comment: In summary, the available evidence is currently insufficient to determine the role of this variant in disease. Therefore, it has been classified as a Variant of Uncertain Significance. Algorithms developed to predict the effect of sequence changes on RNA splicing suggest that this variant may create or strengthen a splice site. This variant has not been reported in the literature in individuals affected with KMT2D-related conditions. This variant is not present in population databases (gnomAD no frequency). This sequence change affects codon 2718 of the KMT2D mRNA. It is a 'silent' change, meaning that it does not change the encoded amino acid sequence of the KMT2D protein.

NM_003482.4(KMT2D):c.8154C>T (p.Gly2718=)

Gene: KMT2D (lysine methyltransferase 2D; minus strand). Cytogenetic location: 12q13.12.
Variant type: single nucleotide variant.
Coding change: c.8154C>T on transcript NM_003482.4 (MANE Select); coding-DNA position 8154, C replaced by T.
Protein change: p.Gly2718=; no amino-acid change (glycine 2718 retained).
Molecular consequence: synonymous variant.
Genome position (GRCh38, 1-based): chr12:49,039,510, G>A on the plus strand (C>T on the coding strand, the complement: KMT2D is on the minus strand). VCF-style: chr12-49039510-G-A. GRCh37 (hg19) VCF-style: chr12-49433293-G-A.
Identifiers: ClinVar variation 2139254 (VCV002139254.4), dbSNP rs376135377, ClinGen allele CA479710957.